The following is an entry in ClinVar:

NM_005448.2(BMP15):c.*13G>A

Gene: BMP15 (bone morphogenetic protein 15; plus strand). Cytogenetic location: Xp11.22.
Variant type: single nucleotide variant.
Coding change: c.*13G>A on transcript NM_005448.2 (MANE Select); 13 bases downstream of the stop codon, G replaced by A.
Molecular consequence: 3 prime UTR variant.
Genome position (GRCh38, 1-based): chrX:50,916,620, G>A. VCF-style: chrX-50916620-G-A. GRCh37 (hg19) VCF-style: chrX-50659620-G-A.
Identifiers: ClinVar variation 259773 (VCV000259773.6), dbSNP rs112064937, ClinGen allele CA10416655.
Genomic context (GRCh38, chrX:50,916,620, plus strand): 5'-TACAAGGAGTATGAGGGTATGATTGCTGAGTCTTGTACATGCAGATGACAGCAACAGTAC[G>A]GCTAGATCAGGTTTCCCAGGAAACTGGAGGAGAGTTTAAAATATCAGTGTTAAAGCTGCA-3'

ClinVar aggregate classification (germline): Benign. Review status: criteria provided, multiple submitters, no conflicts (2 of 4 stars). 3 submissions from 3 submitters: Benign (3). Last evaluated 2018-01-13.

Conditions:
Ovarian dysgenesis 2 (ODG2). Also called: OVARIAN DYSGENESIS, HYPERGONADOTROPIC, X-LINKED; OVARIAN FAILURE, HYPERGONADOTROPIC, DUE TO OVARIAN DYSGENESIS. Identifiers: Orphanet 243, MedGen C1845294, MONDO:0010349, OMIM 300510.

Allele frequency attached by ClinVar (database versions not stated): gnomAD exomes 0.00142 and 0.00439; gnomAD 0.01470 and 0.01551; 1000 Genomes Project 0.01907; ExAC 0.00534; ESP Exome Variant Server 0.02055; 1000 Genomes Project 30x 0.01915; TOPMed 0.01642.
gnomAD v4.1: 3,291 of 1,208,451 alleles (0.27%); highest among the groups gnomAD compares: African/African-American, 5%; 63 homozygotes.

Submissions (3):

Illumina Laboratory Services, Illumina
Classification: Benign for Ovarian dysgenesis 2. Last evaluated: 2018-01-13. Review status: criteria provided, single submitter. Criteria: ICSL Variant Classification Criteria 13 December 2019. Collection method: clinical testing. Allele origin: germline.
Comment: This variant was observed in the ICSL laboratory as part of a predisposition screen in an ostensibly healthy population. It had not been previously curated by ICSL or reported in the Human Gene Mutation Database (HGMD: prior to June 1st, 2018), and was therefore a candidate for classification through an automated scoring system. Utilizing variant allele frequency, disease prevalence and penetrance estimates, and inheritance mode, an automated score was calculated to assess if this variant is too frequent to cause the disease. Based on the score and internal cut-off values, a variant classified as benign is not then subjected to further curation. The score for this variant resulted in a classification of benign for this disease.

GeneDx
Classification: Benign. Last evaluated: 2015-12-01. Review status: criteria provided, single submitter. Criteria: GeneDx Variant Classification (06012015). Collection method: clinical testing. Allele origin: germline. Affected: yes.
Comment: This variant is considered likely benign or benign based on one or more of the following criteria: it is a conservative change, it occurs at a poorly conserved position in the protein, it is predicted to be benign by multiple in silico algorithms, and/or has population frequency not consistent with disease.

PreventionGenetics, part of Exact Sciences
Classification: Benign. Review status: criteria provided, single submitter. Criteria: ACMG Guidelines, 2015. Collection method: clinical testing. Allele origin: germline.